The following is an entry in ClinVar:

ClinVar aggregate classification (germline): Uncertain significance (1 of 4 stars; one submission).

Conditions:
Congenital hyperammonemia, type I. Also called: Carbamoyl-phosphate synthase I deficiency; Carbamoyl phosphate synthetase I deficiency disease; Carbamoyl phosphate synthetase 1 deficiency; Hyperammonemia due to carbamoyl phosphate synthetase 1 deficiency; CPS 1 deficiency; Carbamyl phosphate synthetase (CPS) deficiency. Identifiers: Orphanet 147, MedGen C4082171, MONDO:0009376, OMIM 237300.

Allele frequency attached by ClinVar (database versions not stated): ExAC 0.00001; gnomAD exomes 0.00001; TOPMed 0.00001; gnomAD 0.00002.
gnomAD v4.1: 25 of 1,612,488 alleles (0.0016%); highest among the groups gnomAD compares: East Asian, 0.0045%; no homozygotes.

Submission:

Labcorp Genetics (formerly Invitae), Labcorp
Classification: Uncertain significance for Congenital hyperammonemia, type I. Last evaluated: 2022-05-27. Review status: criteria provided, single submitter. Criteria: Invitae Variant Classification Sherloc (09022015). Collection method: clinical testing. Allele origin: germline.
Comment: This sequence change replaces arginine, which is basic and polar, with cysteine, which is neutral and slightly polar, at codon 682 of the CPS1 protein (p.Arg682Cys). The frequency data for this variant in the population databases is considered unreliable, as metrics indicate poor data quality at this position in the gnomAD database. This variant has not been reported in the literature in individuals affected with CPS1-related conditions. Algorithms developed to predict the effect of missense changes on protein structure and function are either unavailable or do not agree on the potential impact of this missense change (SIFT: "Deleterious"; PolyPhen-2: "Possibly Damaging"; Align-GVGD: "Class C0"). In summary, the available evidence is currently insufficient to determine the role of this variant in disease. Therefore, it has been classified as a Variant of Uncertain Significance.

NM_001875.5(CPS1):c.2044C>T (p.Arg682Cys)

Gene: CPS1 (carbamoyl-phosphate synthase 1; plus strand). Cytogenetic location: 2q34.
Variant type: single nucleotide variant.
Coding change: c.2044C>T on transcript NM_001875.5 (MANE Select); coding-DNA position 2044, C replaced by T.
Protein change: p.Arg682Cys; replaces arginine 682 with cysteine.
Molecular consequence: missense variant. On other transcripts: non-coding transcript variant (2).
Genome position (GRCh38, 1-based): chr2:210,606,793, C>T. VCF-style: chr2-210606793-C-T. GRCh37 (hg19) VCF-style: chr2-211471517-C-T.
Other names: c.2044C>T, p.Arg682Cys (NM_001122633.3, NM_001369257.1); c.2077C>T, p.Arg693Cys (NM_001369256.1); short protein forms R682C, R693C.
Identifiers: ClinVar variation 1474795 (VCV001474795.4), dbSNP rs754653479, ClinGen allele CA2086540.